The following is an entry in ClinVar:

ClinVar aggregate classification (germline): Uncertain significance. Review status: criteria provided, single submitter (1 of 4 stars). 2 submissions from 2 submitters: Uncertain significance (1). 1 of the submissions does not count toward it. Last evaluated 2024-03-13.

Conditions:
PLXNA2-related disorder. Also called: PLXNA2-related condition.

gnomAD v4.1: 4 of 1,614,076 alleles (0.00025%); highest among the groups gnomAD compares: Admixed American, 0.0067%; no homozygotes.

Submissions (2):

Labcorp Genetics (formerly Invitae), Labcorp
Classification: Uncertain significance. Last evaluated: 2024-03-13. Review status: criteria provided, single submitter. Criteria: Invitae Variant Classification Sherloc (09022015). Collection method: clinical testing. Allele origin: germline.
Comment: This sequence change replaces isoleucine, which is neutral and non-polar, with threonine, which is neutral and polar, at codon 338 of the PLXNA2 protein (p.Ile338Thr). This variant is present in population databases (no rsID available, gnomAD no frequency). This variant has not been reported in the literature in individuals affected with PLXNA2-related conditions. Advanced modeling of protein sequence and biophysical properties (such as structural, functional, and spatial information, amino acid conservation, physicochemical variation, residue mobility, and thermodynamic stability) performed at Invitae indicates that this missense variant is not expected to disrupt PLXNA2 protein function with a negative predictive value of 80%. In summary, the available evidence is currently insufficient to determine the role of this variant in disease. Therefore, it has been classified as a Variant of Uncertain Significance.

PreventionGenetics, part of Exact Sciences
Classification: Uncertain significance for PLXNA2-related condition. Last evaluated: 2024-09-17. Review status: no assertion criteria provided. Collection method: clinical testing. Allele origin: germline. Not counted in ClinVar's aggregate classification.
Comment: The PLXNA2 c.1013T>C variant is predicted to result in the amino acid substitution p.Ile338Thr. To our knowledge, this variant has not been reported in the literature. This variant is reported in 0.0029% of alleles in individuals of Latino descent in gnomAD. At this time, the clinical significance of this variant is uncertain due to the absence of conclusive functional and genetic evidence.

NM_025179.4(PLXNA2):c.1013T>C (p.Ile338Thr)

Gene: PLXNA2 (plexin A2; minus strand). Cytogenetic location: 1q32.2.
Variant type: single nucleotide variant.
Coding change: c.1013T>C on transcript NM_025179.4 (MANE Select); coding-DNA position 1013, T replaced by C.
Protein change: p.Ile338Thr; replaces isoleucine 338 with threonine.
Molecular consequence: missense variant.
Genome position (GRCh38, 1-based): chr1:208,216,910, A>G on the plus strand (T>C on the coding strand, the complement: PLXNA2 is on the minus strand). VCF-style: chr1-208216910-A-G. GRCh37 (hg19) VCF-style: chr1-208390255-A-G.
Other names: short protein forms I338T.
Identifiers: ClinVar variation 3345347 (VCV003345347.3).